The following is an entry in ClinVar:

ClinVar aggregate classification (germline): Likely pathogenic (1 of 4 stars; one submission).

Conditions:
Familial dysautonomia. Also called: HSAN III; FD. Identifiers: Orphanet 1764, MedGen C0013364, MONDO:0009131, OMIM 223900. Disease mechanism: loss of function.

Submission:

Myriad Genetics, Inc.
Classification: Likely pathogenic for Familial dysautonomia. Last evaluated: 2022-03-30. Review status: criteria provided, single submitter. Criteria: Myriad Women's Health Autosomal Recessive and X-Linked Classification Criteria (2021). Collection method: clinical testing. Allele origin: unknown.
Comment: NM_003640.3(ELP1):c.2281A>T(K761*) is expected to be pathogenic in the context of familial dysautonomia. This variant is predicted to lead to an abnormal or absent protein product due to the creation of a premature termination codon in ELP1, a gene where loss-of-function variants are known to be pathogenic. Please note: this variant was assessed in the context of healthy population screening.

NM_003640.5(ELP1):c.2281A>T (p.Lys761Ter)

Gene: ELP1 (elongator acetyltransferase complex subunit 1; minus strand). Cytogenetic location: 9q31.3.
Variant type: single nucleotide variant.
Coding change: c.2281A>T on transcript NM_003640.5 (MANE Select); coding-DNA position 2281, A replaced by T.
Protein change: p.Lys761Ter; replaces lysine 761 with a stop codon.
Molecular consequence: nonsense.
Genome position (GRCh38, 1-based): chr9:108,898,673, T>A on the plus strand (A>T on the coding strand, the complement: ELP1 is on the minus strand). VCF-style: chr9-108898673-T-A. GRCh37 (hg19) VCF-style: chr9-111660953-T-A.
Other names: c.1939A>T, p.Lys647Ter (NM_001318360.2); c.1234A>T, p.Lys412Ter (NM_001330749.2); short protein forms K412*, K647*, K761*.
Identifiers: ClinVar variation 1725551 (VCV001725551.2), dbSNP rs1003255472, ClinGen allele CA374422013.